The following is an entry in ClinVar:

ClinVar aggregate classification (germline): Uncertain significance (1 of 4 stars; one submission).

Submission:

Laboratory for Molecular Medicine, Mass General Brigham Personalized Medicine
Classification: Uncertain significance. Last evaluated: 2015-06-03. Review status: criteria provided, single submitter. Criteria: LMM Criteria. Collection method: clinical testing. Allele origin: germline. Observed: 2 variant alleles.
Comment: The p.Ile159fs variant in MYOM1 has not been previously reported in individuals with cardiomyopathy or in large population studies. This variant is predicted to cause a frameshift, which alters the protein's amino acid sequence beginning at position 159 and leads to a premature termination codon 7 amino acids downstrea m. This alteration is then predicted to lead to a truncated or absent protein. D espite the predicted severe impact on the protein, the spectrum of pathogenic va riants of MYOM1 as well as the mode of inheritance is currently not well underst ood. As a result, the clinical significance of the p.Ile159fs variant is uncerta in.

NM_003803.4(MYOM1):c.476_479del (p.Ile159fs)

Gene: MYOM1 (myomesin 1; minus strand). Cytogenetic location: 18p11.31.
Variant type: Deletion.
Coding change: c.476_479del on transcript NM_003803.4 (MANE Select); coding-DNA positions 476 to 479, 4 bases deleted (TTAA; older notation c.476_479delTTAA).
Protein change: p.Ile159fs; shifts the reading frame from isoleucine 159.
Molecular consequence: frameshift variant.
Genome position (GRCh38, 1-based): chr18:3,189,040-3,189,043, TTAA deleted on the plus strand (TTAA on the coding strand, the reverse complement: MYOM1 is on the minus strand); deleting any 4 consecutive bases within chr18:3,189,040-3,189,045 gives the same sequence; the c. name uses the placement nearest the transcript's 3' end. VCF-style (leftmost placement, unchanged base first): chr18-3189039-TTTAA-T. GRCh37 (hg19) VCF-style: chr18-3189037-TTTAA-T.
Other names: c.476_479delTTAA (NM_003803.3); c.476_479del, p.Ile159fs (NM_019856.2); short protein forms I159fs.
Identifiers: ClinVar variation 229029 (VCV000229029.5), dbSNP rs876657920, ClinGen allele CA10577056.